The following is an entry in ClinVar:

ClinVar aggregate classification (germline): Uncertain significance (1 of 4 stars; one submission).

Submission:

Labcorp Genetics (formerly Invitae), Labcorp
Classification: Uncertain significance. Last evaluated: 2023-07-17. Review status: criteria provided, single submitter. Criteria: Invitae Variant Classification Sherloc (09022015). Collection method: clinical testing. Allele origin: germline.
Comment: Advanced modeling of protein sequence and biophysical properties (such as structural, functional, and spatial information, amino acid conservation, physicochemical variation, residue mobility, and thermodynamic stability) performed at Invitae indicates that this missense variant is not expected to disrupt PRPF8 protein function. In summary, the available evidence is currently insufficient to determine the role of this variant in disease. Therefore, it has been classified as a Variant of Uncertain Significance. This variant has not been reported in the literature in individuals affected with PRPF8-related conditions. This variant is not present in population databases (gnomAD no frequency). This sequence change replaces threonine, which is neutral and polar, with serine, which is neutral and polar, at codon 751 of the PRPF8 protein (p.Thr751Ser).

NM_006445.4(PRPF8):c.2252C>G (p.Thr751Ser)

Gene: PRPF8 (pre-mRNA processing factor 8; minus strand). Cytogenetic location: 17p13.3.
Variant type: single nucleotide variant.
Coding change: c.2252C>G on transcript NM_006445.4 (MANE Select); coding-DNA position 2252, C replaced by G.
Protein change: p.Thr751Ser; replaces threonine 751 with serine.
Molecular consequence: missense variant.
Genome position (GRCh38, 1-based): chr17:1,676,641, G>C on the plus strand (C>G on the coding strand, the complement: PRPF8 is on the minus strand). VCF-style: chr17-1676641-G-C. GRCh37 (hg19) VCF-style: chr17-1579935-G-C.
Other names: short protein forms T751S.
Identifiers: ClinVar variation 2786084 (VCV002786084.3), dbSNP rs2543769032, ClinGen allele CA397553367.